The following is an entry in ClinVar:

NM_003906.5(MCM3AP):c.3352A>G (p.Met1118Val)

Gene: MCM3AP (minichromosome maintenance complex component 3 associated protein; minus strand). Cytogenetic location: 21q22.3.
Variant type: single nucleotide variant.
Coding change: c.3352A>G on transcript NM_003906.5 (MANE Select); coding-DNA position 3352, A replaced by G.
Protein change: p.Met1118Val; replaces methionine 1118 with valine.
Molecular consequence: missense variant.
Genome position (GRCh38, 1-based): chr21:46,261,395, T>C on the plus strand (A>G on the coding strand, the complement: MCM3AP is on the minus strand). VCF-style: chr21-46261395-T-C. GRCh37 (hg19) VCF-style: chr21-47681309-T-C.
Other names: short protein forms M1118V.
Identifiers: ClinVar variation 1491906 (VCV001491906.8), dbSNP rs1296997306, ClinGen allele CA410556366.
Genomic context (GRCh38, chr21:46,261,395, plus strand): 5'-CTTCTTCAGCTGCAATGTGCCTCAAAATGCCCGTGGTTGCAGCTGTTAACAAATCCTCCA[T>C]AGCAGCATTAGAAACACTAAACGGAGCAAAGGGGATAGCATTCAAAATCAGAGTCAAGGC-3'
Protein context (NP_003897.2, residues 1108-1128): AAALGVSNAA[Met1118Val]EDLLTAATTG

ClinVar aggregate classification (germline): Uncertain significance (1 of 4 stars; one submission).

Allele frequency attached by ClinVar (database versions not stated): gnomAD exomes below 0.00001; gnomAD 0.00001; TOPMed 0.00002.

Submission:

Labcorp Genetics (formerly Invitae), Labcorp
Classification: Uncertain significance. Last evaluated: 2023-11-27. Review status: criteria provided, single submitter. Criteria: Invitae Variant Classification Sherloc (09022015). Collection method: clinical testing. Allele origin: germline.
Comment: This sequence change replaces methionine, which is neutral and non-polar, with valine, which is neutral and non-polar, at codon 1118 of the MCM3AP protein (p.Met1118Val). This variant is present in population databases (no rsID available, gnomAD 0.0009%). This variant has not been reported in the literature in individuals affected with MCM3AP-related conditions. ClinVar contains an entry for this variant (Variation ID: 1491906). Algorithms developed to predict the effect of missense changes on protein structure and function output the following: SIFT: "Not Available"; PolyPhen-2: "Benign"; Align-GVGD: "Not Available". The valine amino acid residue is found in multiple mammalian species, which suggests that this missense change does not adversely affect protein function. In summary, the available evidence is currently insufficient to determine the role of this variant in disease. Therefore, it has been classified as a Variant of Uncertain Significance.